The following is an entry in ClinVar:

NM_001134363.3(RBM20):c.2004C>A (p.Asp668Glu)

Gene: RBM20 (RNA binding motif protein 20; plus strand). Cytogenetic location: 10q25.2.
Variant type: single nucleotide variant.
Coding change: c.2004C>A on transcript NM_001134363.3 (MANE Select); coding-DNA position 2004, C replaced by A.
Protein change: p.Asp668Glu; replaces aspartic acid 668 with glutamic acid.
Molecular consequence: missense variant.
Genome position (GRCh38, 1-based): chr10:110,812,401, C>A. VCF-style: chr10-110812401-C-A. GRCh37 (hg19) VCF-style: chr10-112572159-C-A.
Other names: c.2004C>A (LRG_382t1); short protein forms D668E.
Identifiers: ClinVar variation 519063 (VCV000519063.17), dbSNP rs749563704, ClinGen allele CA5688661.

ClinVar aggregate classification (germline): Conflicting classifications of pathogenicity. Review status: criteria provided, conflicting classifications (1 of 4 stars). 3 submissions from 3 submitters: Uncertain significance (2); Benign (1). Last evaluated 2025-07-28.

Conditions:
Primary dilated cardiomyopathy (DCM). Also called: Dilated Cardiomyopathy. Identifiers: Orphanet 217604, MedGen C0007193, MeSH D002311, MONDO:0005021, HP:0001644. Inheritance: Various modes of inheritance.
Cardiovascular phenotype. Identifiers: MedGen CN230736.
Dilated cardiomyopathy 1DD (CMD1DD). Identifiers: Orphanet 154, MedGen C2750995, MONDO:0013168, OMIM 613172.

Allele frequency attached by ClinVar (database versions not stated): gnomAD below 0.00001 and 0.00001; TOPMed 0.00002; gnomAD exomes 0.00003 and 0.00005; ExAC 0.00016.

Submissions (3):

Ambry Genetics
Classification: Uncertain significance for Cardiovascular phenotype. Last evaluated: 2025-07-28. Review status: criteria provided, single submitter. Criteria: Ambry Variant Classification Scheme 2023. Collection method: clinical testing. Allele origin: germline.
Comment: The p.D668E variant (also known as c.2004C>A), located in coding exon 9 of the RBM20 gene, results from a C to A substitution at nucleotide position 2004. The aspartic acid at codon 668 is replaced by glutamic acid, an amino acid with highly similar properties. This amino acid position is well conserved in available vertebrate species. In addition, this alteration is predicted to be tolerated by in silico analysis. Based on the available evidence, the clinical significance of this variant remains unclear.

Labcorp Genetics (formerly Invitae), Labcorp
Classification: Benign for Dilated cardiomyopathy 1DD. Last evaluated: 2025-01-21. Review status: criteria provided, single submitter. Criteria: Invitae Variant Classification Sherloc (09022015). Collection method: clinical testing. Allele origin: germline.

Genetics and Genomics Program, Sidra Medicine
Classification: Uncertain significance for Primary dilated cardiomyopathy. Review status: criteria provided, single submitter. Criteria: ACMG Guidelines, 2015. Collection method: research. Allele origin: unknown. Affected: yes. Observed: 1 variant allele.